The following is an entry in ClinVar:

NM_000257.4(MYH7):c.1387G>T (p.Ala463Ser)

Gene: MYH7 (myosin heavy chain 7; minus strand). Cytogenetic location: 14q11.2.
Variant type: single nucleotide variant.
Coding change: c.1387G>T on transcript NM_000257.4 (MANE Select); coding-DNA position 1387, G replaced by T.
Protein change: p.Ala463Ser; replaces alanine 463 with serine.
Molecular consequence: missense variant.
Genome position (GRCh38, 1-based): chr14:23,428,975, C>A on the plus strand (G>T on the coding strand, the complement: MYH7 is on the minus strand). VCF-style: chr14-23428975-C-A. GRCh37 (hg19) VCF-style: chr14-23898184-C-A.
Other names: c.1387G>T, p.Ala463Ser (NM_001407004.1); short protein forms A463S.
Identifiers: ClinVar variation 2767883 (VCV002767883.4), dbSNP rs2138675059, ClinGen allele CA389050731.
Genomic context (GRCh38, chr14:23,428,975, plus strand): 5'-GTGAGTGATTGTTCTCCCACTCCCAGGGGTCCCAACTCACATCGAAGATCTCGAAGCCAG[C>A]GATGTCCAGGACTCCTATGAAGTACTGGCGTGGCTGCTTGGTCTCCAGGGTGGCATTGAT-3'
Protein context (NP_000248.2, residues 453-473): RQYFIGVLDI[Ala463Ser]GFEIFDFNSF

ClinVar aggregate classification (germline): Uncertain significance. Review status: criteria provided, multiple submitters, no conflicts (2 of 4 stars). 2 submissions from 2 submitters: Uncertain significance (2). Last evaluated 2024-12-04.

Conditions:
Hypertrophic cardiomyopathy. Also called: HYPERTROPHIC MYOCARDIOPATHY. Identifiers: Orphanet 217569, MedGen C0007194, MeSH D002312, MONDO:0005045, HP:0001639.

Submissions (2):

GeneDx
Classification: Uncertain significance. Last evaluated: 2024-12-04. Review status: criteria provided, single submitter. Criteria: GeneDx Variant Classification Process June 2021. Collection method: clinical testing. Allele origin: germline. Affected: yes.
Comment: Not observed at significant frequency in large population cohorts (gnomAD); In silico analysis indicates that this missense variant does not alter protein structure/function; Has not been previously published as pathogenic or benign to our knowledge; This variant is associated with the following publications: (PMID: 27532257, 29300372)

Labcorp Genetics (formerly Invitae), Labcorp
Classification: Uncertain significance for Hypertrophic cardiomyopathy. Last evaluated: 2023-10-13. Review status: criteria provided, single submitter. Criteria: Invitae Variant Classification Sherloc (09022015). Collection method: clinical testing. Allele origin: germline.
Comment: This sequence change replaces alanine, which is neutral and non-polar, with serine, which is neutral and polar, at codon 463 of the MYH7 protein (p.Ala463Ser). This variant is not present in population databases (gnomAD no frequency). This variant has not been reported in the literature in individuals affected with MYH7-related conditions. Advanced modeling of protein sequence and biophysical properties (such as structural, functional, and spatial information, amino acid conservation, physicochemical variation, residue mobility, and thermodynamic stability) performed at Invitae indicates that this missense variant is expected to disrupt MYH7 protein function. In summary, the available evidence is currently insufficient to determine the role of this variant in disease. Therefore, it has been classified as a Variant of Uncertain Significance.